The following is an entry in ClinVar:

ClinVar aggregate classification (germline): Uncertain significance (1 of 4 stars; one submission).

gnomAD v4.1: 5 of 1,613,838 alleles (0.00031%); highest among the groups gnomAD compares: Non-Finnish European, 0.00025%; no homozygotes.

Submission:

Labcorp Genetics (formerly Invitae), Labcorp
Classification: Uncertain significance. Last evaluated: 2022-12-07. Review status: criteria provided, single submitter. Criteria: Invitae Variant Classification Sherloc (09022015). Collection method: clinical testing. Allele origin: germline.
Comment: In summary, the available evidence is currently insufficient to determine the role of this variant in disease. Therefore, it has been classified as a Variant of Uncertain Significance. This sequence change replaces tyrosine, which is neutral and polar, with histidine, which is basic and polar, at codon 102 of the FZD4 protein (p.Tyr102His). This variant is not present in population databases (gnomAD no frequency). This variant has not been reported in the literature in individuals affected with FZD4-related conditions. Algorithms developed to predict the effect of missense changes on protein structure and function (SIFT, PolyPhen-2, Align-GVGD) all suggest that this variant is likely to be disruptive. Algorithms developed to predict the effect of sequence changes on RNA splicing suggest that this variant may disrupt the consensus splice site.

NM_012193.4(FZD4):c.304T>C (p.Tyr102His)

Genes: FZD4 (frizzled class receptor 4; minus strand), PRSS23 (serine protease 23; plus strand). Cytogenetic location: 11q14.2.
Variant type: single nucleotide variant.
Coding change: c.304T>C on transcript NM_012193.4 (MANE Select); coding-DNA position 304, T replaced by C.
Protein change: p.Tyr102His; replaces tyrosine 102 with histidine.
Molecular consequence: missense variant. On other transcripts: non-coding transcript variant (2).
Genome position (GRCh38, 1-based): chr11:86,952,452, A>G on the plus strand (T>C on the coding strand, the complement: FZD4 is on the minus strand). VCF-style: chr11-86952452-A-G. GRCh37 (hg19) VCF-style: chr11-86663494-A-G.
Other names: short protein forms Y102H.
Identifiers: ClinVar variation 2819066 (VCV002819066.3), dbSNP rs886048735, ClinGen allele CA382017450.